The following is an entry in ClinVar:

ClinVar aggregate classification (germline): Pathogenic (1 of 4 stars; one submission).

Conditions:
Inborn genetic diseases. Identifiers: MedGen C0950123, MeSH D030342.

Submission:

Ambry Genetics
Classification: Pathogenic for Inborn genetic diseases. Last evaluated: 2024-02-09. Review status: criteria provided, single submitter. Criteria: Ambry Variant Classification Scheme 2023. Collection method: clinical testing. Allele origin: germline.
Comment: The c.629_630insGTTG (p.V211Lfs*28) alteration, located in exon 6 (coding exon 5) of the ADGRL1 gene, consists of an insertion of GTTG at position 629, causing a translational frameshift with a predicted alternate stop codon after 28 amino acids. This alteration is expected to result in loss of function by premature protein truncation or nonsense-mediated mRNA decay. This variant was not reported in population-based cohorts in the Genome Aggregation Database (gnomAD). Based on the available evidence, this alteration is classified as pathogenic.

NM_014921.5(ADGRL1):c.614_615insGTTG (p.Val206fs)

Genes: ADGRL1 (adhesion G protein-coupled receptor L1; minus strand), ADGRL1-AS1 (ADGRL1 antisense RNA 1; plus strand). Cytogenetic location: 19p13.12.
Variant type: Insertion.
Coding change: c.614_615insGTTG on transcript NM_014921.5 (MANE Select); coding-DNA positions 614 to 615, GTTG inserted.
Protein change: p.Val206fs; shifts the reading frame from valine 206.
Molecular consequence: frameshift variant.
Genome position: GRCh38 VCF-style: chr19-14163186-G-GCAAC. GRCh37 (hg19) VCF-style: chr19-14273998-G-GCAAC.
Other names: c.629_630insGTTG, p.Val211fs (NM_001008701.3); short protein forms V206fs, V211fs.
Identifiers: ClinVar variation 3087350 (VCV003087350.1), dbSNP rs2512937290, ClinGen allele CA2825002756.